The following is an entry in ClinVar:

NM_001231.5(CASQ1):c.515C>T (p.Ala172Val)

Gene: CASQ1 (calsequestrin 1; plus strand). Cytogenetic location: 1q23.2.
Variant type: single nucleotide variant.
Coding change: c.515C>T on transcript NM_001231.5 (MANE Select); coding-DNA position 515, C replaced by T.
Protein change: p.Ala172Val; replaces alanine 172 with valine.
Molecular consequence: missense variant.
Genome position (GRCh38, 1-based): chr1:160,195,061, C>T. VCF-style: chr1-160195061-C-T. GRCh37 (hg19) VCF-style: chr1-160164851-C-T.
Other names: c.515C>T (NM_001231.4); short protein forms A172V.
Identifiers: ClinVar variation 2162707 (VCV002162707.7), dbSNP rs190698081, ClinGen allele CA1196222.

ClinVar aggregate classification (germline): Uncertain significance. Review status: criteria provided, multiple submitters, no conflicts (2 of 4 stars). 3 submissions from 3 submitters: Uncertain significance (2). 1 of the submissions does not count toward it. Last evaluated 2025-02-25.

Conditions:
Myopathy due to calsequestrin and SERCA1 protein overload. Also called: Myopathy, vacuolar, with casq1 aggregates. Identifiers: Orphanet 88635, MedGen C4015624, MONDO:0014546, OMIM 616231.
CASQ1-related disorder. Also called: CASQ1-related condition.

Allele frequency attached by ClinVar (database versions not stated): ExAC 0.00001; gnomAD 0.00002; TOPMed 0.00002; 1000 Genomes Project 30x 0.00016; 1000 Genomes Project 0.00020.

Submissions (3):

Revvity Omics, Revvity
Classification: Uncertain significance for Myopathy due to calsequestrin and SERCA1 protein overload. Last evaluated: 2025-02-25. Review status: criteria provided, single submitter. Criteria: ACMG Guidelines, 2015. Collection method: clinical testing. Allele origin: germline.

Labcorp Genetics (formerly Invitae), Labcorp
Classification: Uncertain significance. Last evaluated: 2023-12-01. Review status: criteria provided, single submitter. Criteria: Invitae Variant Classification Sherloc (09022015). Collection method: clinical testing. Allele origin: germline.
Comment: This sequence change replaces alanine, which is neutral and non-polar, with valine, which is neutral and non-polar, at codon 172 of the CASQ1 protein (p.Ala172Val). The frequency data for this variant in the population databases is considered unreliable, as metrics indicate poor data quality at this position in the gnomAD database. This variant has not been reported in the literature in individuals affected with CASQ1-related conditions. ClinVar contains an entry for this variant (Variation ID: 2162707). Advanced modeling of protein sequence and biophysical properties (such as structural, functional, and spatial information, amino acid conservation, physicochemical variation, residue mobility, and thermodynamic stability) performed at Invitae indicates that this missense variant is not expected to disrupt CASQ1 protein function with a negative predictive value of 80%. In summary, the available evidence is currently insufficient to determine the role of this variant in disease. Therefore, it has been classified as a Variant of Uncertain Significance.

PreventionGenetics, part of Exact Sciences
Classification: Uncertain significance for CASQ1-related condition. Last evaluated: 2024-08-15. Review status: no assertion criteria provided. Collection method: clinical testing. Allele origin: germline. Not counted in ClinVar's aggregate classification.
Comment: The CASQ1 c.515C>T variant is predicted to result in the amino acid substitution p.Ala172Val. To our knowledge, this variant has not been reported in the literature. This variant is reported in 0.0028% of alleles in individuals of Latino descent in gnomAD. At this time, the clinical significance of this variant is uncertain due to the absence of conclusive functional and genetic evidence.